The following is an entry in ClinVar:

NM_001164277.2(SLC37A4):c.886_888delinsCAA (p.Tyr296Gln)

Gene: SLC37A4 (solute carrier family 37 member 4; minus strand). Cytogenetic location: 11q23.3.
Variant type: Indel.
Coding change: c.886_888delinsCAA on transcript NM_001164277.2 (MANE Select); coding-DNA positions 886 to 888, TAC replaced by CAA.
Protein change: p.Tyr296Gln; replaces tyrosine 296 with glutamine.
Molecular consequence: missense variant.
Genome position (GRCh38, 1-based): chr11:119,026,063-119,026,065, GTA replaced by TTG on the plus strand (TAC replaced by CAA on the coding strand, the reverse complement: SLC37A4 is on the minus strand). VCF-style: chr11-119026063-GTA-TTG. GRCh37 (hg19) VCF-style: chr11-118896773-GTA-TTG.
Other names: c.886_888delinsCAA, p.Tyr296Gln (NM_001164278.2, NM_001164280.2, NM_001467.6); c.667_669delinsCAA, p.Tyr223Gln (NM_001164279.2); short protein forms Y223Q, Y296Q.
Identifiers: ClinVar variation 971103 (VCV000971103.5), dbSNP rs1943560243, ClinGen allele CA1139662377.

ClinVar aggregate classification (germline): Uncertain significance (1 of 4 stars; one submission).

Conditions:
Glucose-6-phosphate transport defect (GSD1B). Also called: Glycogen Storage Disease Type Ib; GSD Ib. Identifiers: Orphanet 364, Orphanet 79259, MedGen C0268146, MONDO:0009288, OMIM 232220.

Submission:

Labcorp Genetics (formerly Invitae), Labcorp
Classification: Uncertain significance for Glucose-6-phosphate transport defect. Last evaluated: 2022-02-17. Review status: criteria provided, single submitter. Criteria: Invitae Variant Classification Sherloc (09022015). Collection method: clinical testing. Allele origin: germline.
Comment: Algorithms developed to predict the effect of sequence changes on RNA splicing suggest that this variant is not likely to affect RNA splicing. In summary, the available evidence is currently insufficient to determine the role of this variant in disease. Therefore, it has been classified as a Variant of Uncertain Significance. ClinVar contains an entry for this variant (Variation ID: 550855). This sequence change replaces tyrosine, which is neutral and polar, with glutamine, which is neutral and polar, at codon 296 of the SLC37A4 protein (p.Tyr296Gln). This variant is not present in population databases (gnomAD no frequency). This variant has not been reported in the literature in individuals affected with SLC37A4-related conditions.